The following is an entry in ClinVar:

ClinVar aggregate classification (germline): Uncertain significance. Review status: criteria provided, multiple submitters, no conflicts (2 of 4 stars). 2 submissions from 2 submitters: Uncertain significance (2). Last evaluated 2023-09-28.

Conditions:
Maturity-onset diabetes of the young type 11. Identifiers: Orphanet 552, MedGen C3150618, MONDO:0013242, OMIM 613375.

gnomAD v4.1: 41 of 1,613,950 alleles (0.0025%); highest among the groups gnomAD compares: Admixed American, 0.013%; no homozygotes.

Submissions (2):

Clinical Genomics Laboratory, Stanford Medicine
Classification: Uncertain significance for Maturity-onset diabetes of the young type 11. Last evaluated: 2023-09-28. Review status: criteria provided, single submitter. Criteria: ACMG Guidelines, 2015. Collection method: clinical testing. Allele origin: germline. Observed: 1 variant allele, 1 heterozygote.

Juno Genomics, Hangzhou Juno Genomics, Inc
Classification: Uncertain significance for Maturity-onset diabetes of the young type 11. Review status: criteria provided, single submitter. Criteria: ACMG Guidelines, 2015. Collection method: clinical testing. Allele origin: germline. Affected: yes.
Comment: Absent from controls (or at extremely low frequency if recessive) in Genome Aggregation Database, Exome Sequencing Project, 1000 Genomes Project, or Exome Aggregation Consortium.;Multiple lines of computational evidence support a deleterious effect on the gene or gene product (conservation, evolutionary, splicing impact, etc).;Patient's phenotype or family history is highly specific for a disease with a single genetic etiology.

NM_001715.3(BLK):c.1013T>C (p.Ile338Thr)

Genes: BLK (BLK proto-oncogene, Src family tyrosine kinase), BLK-AS1 (BLK antisense RNA 1). Cytogenetic location: 8p23.1.
Variant type: single nucleotide variant.
Coding change: c.1013T>C on transcript NM_001715.3 (MANE Select); coding-DNA position 1013, T replaced by C.
Protein change: p.Ile338Thr; replaces isoleucine 338 with threonine.
Molecular consequence: missense variant.
Genome position (GRCh38, 1-based): chr8:11,558,022, T>C. VCF-style: chr8-11558022-T-C. GRCh37 (hg19) VCF-style: chr8-11415531-T-C.
Other names: c.800T>C, p.Ile267Thr (NM_001330465.2); short protein forms I267T, I338T.
Identifiers: ClinVar variation 3382055 (VCV003382055.3).